The following is an entry in ClinVar:

ClinVar aggregate classification (germline): Pathogenic. Review status: criteria provided, multiple submitters, no conflicts (2 of 4 stars). 4 submissions from 4 submitters: Pathogenic (4). Last evaluated 2024-01-02.

Conditions:
Hereditary cancer-predisposing syndrome. Also called: Tumor predisposition; Neoplastic Syndromes, Hereditary; Hereditary Cancer Syndrome; Hereditary neoplastic syndrome. Identifiers: Orphanet 140162, MedGen C0027672, MeSH D009386, MONDO:0015356.
Hereditary diffuse gastric adenocarcinoma (HDGC). Also called: DIFFUSE GASTRIC AND LOBULAR BREAST CANCER SYNDROME. Identifiers: Orphanet 26106, MedGen C1708349, MONDO:0007648, OMIM 137215.

Submissions (4):

Ambry Genetics
Classification: Pathogenic for Hereditary cancer-predisposing syndrome. Last evaluated: 2024-01-02. Review status: criteria provided, single submitter. Criteria: Ambry Variant Classification Scheme 2023. Collection method: clinical testing. Allele origin: germline.
Comment: The c.1380delA pathogenic mutation, located in coding exon 10 of the CDH1 gene, results from a deletion of one nucleotide at nucleotide position 1380, causing a translational frameshift with a predicted alternate stop codon (p.P461Lfs*20). This alteration is expected to result in loss of function by premature protein truncation or nonsense-mediated mRNA decay. As such, this alteration is interpreted as a disease-causing mutation.

Myriad Genetics, Inc.
Classification: Pathogenic for Hereditary diffuse gastric adenocarcinoma. Last evaluated: 2023-06-13. Review status: criteria provided, single submitter. Criteria: Myriad Autosomal Dominant, Autosomal Recessive and X-Linked Classification Criteria (2023). Collection method: clinical testing. Allele origin: unknown.
Comment: This variant is considered pathogenic. This variant creates a frameshift predicted to result in premature protein truncation.

Color Diagnostics, LLC DBA Color Health
Classification: Pathogenic for Hereditary cancer-predisposing syndrome. Last evaluated: 2020-01-15. Review status: criteria provided, single submitter. Criteria: ACMG Guidelines, 2015. Collection method: clinical testing. Allele origin: germline.
Comment: This variant deletes 1 nucleotide in exon 10 of the CDH1 gene, creating a frameshift and premature translation stop signal. This variant is expected to result in an absent or non-functional protein product. This variant has not been identified in the general population by the Genome Aggregation Database (gnomAD). Loss of CDH1 function is a known mechanism of disease. Based on the available evidence, this variant is classified as Pathogenic.

Labcorp Genetics (formerly Invitae), Labcorp
Classification: Pathogenic for Hereditary diffuse gastric adenocarcinoma. Last evaluated: 2019-05-15. Review status: criteria provided, single submitter. Criteria: Invitae Variant Classification Sherloc (09022015). Collection method: clinical testing. Allele origin: germline.
Comment: Loss-of-function variants in CDH1 are known to be pathogenic (PMID: 15235021, 20373070). This sequence change creates a premature translational stop signal (p.Pro461Leufs*20) in the CDH1 gene. It is expected to result in an absent or disrupted protein product. This variant is not present in population databases (ExAC no frequency). This variant has been observed in an individual affected with hereditary diffuse gastric cancer (PMID: 28460635). For these reasons, this variant has been classified as Pathogenic.

Literature cited by the submitters: PubMed 15235021 (cited by Labcorp Genetics (formerly Invitae), Labcorp); PubMed 20373070 (cited by Labcorp Genetics (formerly Invitae), Labcorp); PubMed 28460635 (cited by Labcorp Genetics (formerly Invitae), Labcorp).

NM_004360.5(CDH1):c.1380del (p.Pro461fs)

Gene: CDH1 (cadherin 1; plus strand). Cytogenetic location: 16q22.1.
Variant type: Deletion.
Coding change: c.1380del on transcript NM_004360.5 (MANE Select); coding-DNA position 1380, one base deleted (A; older notation c.1380delA).
Protein change: p.Pro461fs; shifts the reading frame from proline 461.
Molecular consequence: frameshift variant. On other transcripts: 5 prime UTR variant (2).
Genome position (GRCh38, 1-based): chr16:68,815,574, A deleted. VCF-style (leftmost placement, unchanged base first): chr16-68815573-TA-T. GRCh37 (hg19) VCF-style: chr16-68849476-TA-T.
Other names: c.1197del, p.Pro400fs (NM_001317184.2); c.-440del (NM_001317186.2); c.-169del (NM_001317185.2); c.1380delA (NM_004360.3); short protein forms P400fs, P461fs.
Identifiers: ClinVar variation 628954 (VCV000628954.17), dbSNP rs1567508847, ClinGen allele CA913188762.
Genomic context (GRCh38, chr16:68,815,573, plus strand): 5'-AGGGCTTGGATTTTGAGGCCAAGCAGCAGTACATTCTACACGTAGCAGTGACGAATGTGG[TA>T]CCTTTTGAGGTCTCTCTCACCACCTCCACAGCCACCGTCACCGTGGATGTGCTGGATGTG-3'